The following is an entry in ClinVar:

ClinVar aggregate classification (germline): Benign/Likely benign. Review status: criteria provided, multiple submitters, no conflicts (2 of 4 stars). 6 submissions from 6 submitters: Benign (1); Likely benign (4). 1 of the submissions does not count toward it. Last evaluated 2026-01-06.

Conditions:
SLC52A3-related disorder. Also called: SLC52A3-related condition.
Inborn genetic diseases. Identifiers: MedGen C0950123, MeSH D030342.
Brown-Vialetto-van Laere syndrome 1. Also called: BROWN-VIALETTO-VAN LAERE SYNDROME 1, MILD; BULBAR PALSY, PROGRESSIVE, WITH SENSORINEURAL DEAFNESS; PONTOBULBAR PALSY WITH DEAFNESS. Identifiers: Orphanet 572550, Orphanet 97229, MedGen C0796274, MONDO:0024537, OMIM 211530.

Allele frequency attached by ClinVar (database versions not stated): ExAC 0.00023; 1000 Genomes Project 0.00060; 1000 Genomes Project 30x 0.00062; gnomAD 0.00072 and 0.00081; gnomAD exomes 0.00007 and 0.00020; TOPMed 0.00092; ESP Exome Variant Server 0.00108.

Submissions (6):

Labcorp Genetics (formerly Invitae), Labcorp
Classification: Benign for Brown-Vialetto-van Laere syndrome 1. Last evaluated: 2026-01-06. Review status: criteria provided, single submitter. Criteria: Invitae Variant Classification Sherloc (09022015). Collection method: clinical testing. Allele origin: germline.

Blueprint Genetics
Classification: Likely benign. Last evaluated: 2023-08-18. Review status: criteria provided, single submitter. Criteria: ACMG Guidelines, 2015. Collection method: clinical testing. Allele origin: germline.

Ambry Genetics
Classification: Likely benign for Inborn genetic diseases. Last evaluated: 2019-07-11. Review status: criteria provided, single submitter. Criteria: Ambry Variant Classification Scheme 2023. Collection method: clinical testing. Allele origin: germline.

GeneDx
Classification: Likely benign. Last evaluated: 2018-09-18. Review status: criteria provided, single submitter. Criteria: GeneDx Variant Classification Process June 2021. Collection method: clinical testing. Allele origin: germline. Affected: yes.

Breakthrough Genomics
Classification: Likely benign. Review status: criteria provided, single submitter. Criteria: ACMG Guidelines, 2015. Collection method: not provided. Allele origin: germline. Inheritance: Autosomal recessive inheritance. Affected: yes.

PreventionGenetics, part of Exact Sciences
Classification: Likely benign for SLC52A3-related condition. Last evaluated: 2020-01-27. Review status: no assertion criteria provided. Collection method: clinical testing. Allele origin: germline. Not counted in ClinVar's aggregate classification.
Comment: This variant is classified as likely benign based on ACMG/AMP sequence variant interpretation guidelines (Richards et al. 2015 PMID: 25741868, with internal and published modifications).

NM_033409.4(SLC52A3):c.981G>C (p.Leu327=)

Gene: SLC52A3 (solute carrier family 52 member 3; minus strand). Cytogenetic location: 20p13.
Variant type: single nucleotide variant.
Coding change: c.981G>C on transcript NM_033409.4 (MANE Select); coding-DNA position 981, G replaced by C.
Protein change: p.Leu327=; no amino-acid change (leucine 327 retained).
Molecular consequence: synonymous variant.
Genome position (GRCh38, 1-based): chr20:763,590, C>G on the plus strand (G>C on the coding strand, the complement: SLC52A3 is on the minus strand). VCF-style: chr20-763590-C-G. GRCh37 (hg19) VCF-style: chr20-744234-C-G.
Other names: c.981G>C, p.Leu327= (NM_001370085.1, NM_001370086.1).
Identifiers: ClinVar variation 476620 (VCV000476620.20), dbSNP rs62641669, ClinGen allele CA9724636.
Genomic context (GRCh38, chr20:763,590, plus strand): 5'-AAGAGGGTTGGCCACAATGCTGAGGGTGGCAGCCAGGTGGTAGGCAACTGGCCCATAGGA[C>G]AGGCAGGAGTAGGTCTGCACAGAGGGCAGCATGCCGTTGGTGAGCGCGTTGACGAAGGCC-3'
Protein context (NP_212134.3, residues 317-337): MLPSVQTYSC[Leu327=]SYGPVAYHLA